The following is an entry in ClinVar:

NM_002332.3(LRP1):c.3635T>G (p.Met1212Arg)

Gene: LRP1 (LDL receptor related protein 1; plus strand). Cytogenetic location: 12q13.3.
Variant type: single nucleotide variant.
Coding change: c.3635T>G on transcript NM_002332.3 (MANE Select); coding-DNA position 3635, T replaced by G.
Protein change: p.Met1212Arg; replaces methionine 1212 with arginine.
Molecular consequence: missense variant.
Genome position (GRCh38, 1-based): chr12:57,175,547, T>G. VCF-style: chr12-57175547-T-G. GRCh37 (hg19) VCF-style: chr12-57569330-T-G.
Other names: short protein forms M1212R.
Identifiers: ClinVar variation 4976672 (VCV004976672.1).
Genomic context (GRCh38, chr12:57,175,547, plus strand): 5'-GCAGCCACAACTGCTCAGTGGCACCTGGCGAAGGCATTGTGTGTTCCTGCCCTCTGGGCA[T>G]GGAGCTGGGGCCCGACAACCACACCTGCCAGATCCAGAGCTACTGTGCCAAGCATCTCAA-3'
Protein context (NP_002323.2, residues 1202-1222): EGIVCSCPLG[Met1212Arg]ELGPDNHTCQ

ClinVar aggregate classification (germline): Uncertain significance (1 of 4 stars; one submission).

Submission:

GeneDx
Classification: Uncertain significance. Last evaluated: 2024-03-27. Review status: criteria provided, single submitter. Criteria: GeneDx Variant Classification Process June 2021. Collection method: clinical testing. Allele origin: germline.
Comment: Not observed at significant frequency in large population cohorts (gnomAD); In silico analysis supports that this missense variant has a deleterious effect on protein structure/function; In silico analysis suggests this variant may impact gene splicing. In the absence of RNA/functional studies, the actual effect of this sequence change is unknown.; Has not been previously published as pathogenic or benign to our knowledge; Variants in candidate genes are classified as variants of uncertain significance in accordance with ACMG guidelines (PMID: 25741868)